The following is an entry in ClinVar:

NM_000023.4(SGCA):c.320C>T (p.Ala107Val)

Gene: SGCA (sarcoglycan alpha; plus strand). Cytogenetic location: 17q21.33.
Variant type: single nucleotide variant.
Coding change: c.320C>T on transcript NM_000023.4 (MANE Select); coding-DNA position 320, C replaced by T.
Protein change: p.Ala107Val; replaces alanine 107 with valine.
Molecular consequence: missense variant. On other transcripts: non-coding transcript variant (1).
Genome position (GRCh38, 1-based): chr17:50,167,954, C>T. VCF-style: chr17-50167954-C-T. GRCh37 (hg19) VCF-style: chr17-48245315-C-T.
Other names: NM_000023.4(SGCA):c.320C>T; p.Ala107Val; c.320C>T, p.Ala107Val (NM_001135697.3); short protein forms A107V.
Identifiers: ClinVar variation 197094 (VCV000197094.26), dbSNP rs186669379, ClinGen allele CA245046.

ClinVar aggregate classification (germline): Likely pathogenic. Review status: reviewed by expert panel (3 of 4 stars). 6 submissions from 6 submitters: Likely pathogenic (1). 5 of the submissions do not count toward it. Last evaluated 2026-04-28.

Conditions:
Autosomal recessive limb-girdle muscular dystrophy. Identifiers: Orphanet 102015, MedGen C2931907, MONDO:0015152.
Autosomal recessive limb-girdle muscular dystrophy type 2D (LGMDR3). Also called: MUSCULAR DYSTROPHY, LIMB-GIRDLE, AUTOSOMAL RECESSIVE 3; ADHALINOPATHY, PRIMARY; DUCHENNE-LIKE AUTOSOMAL RECESSIVE MUSCULAR DYSTROPHY, TYPE 2. Identifiers: Orphanet 62, MedGen C2936332, MONDO:0011968, OMIM 608099. Disease mechanism: Affects gamma-sarcoglycan and also disrupts the integrity of the entire sarcoglycan complex..

Allele frequency attached by ClinVar (database versions not stated): gnomAD exomes 0.00007 and 0.00029; gnomAD 0.00010 and 0.00015; TOPMed 0.00016; ExAC 0.00026; 1000 Genomes Project 30x 0.00109; 1000 Genomes Project 0.00120.
gnomAD v4.1: 130 of 1,614,130 alleles (0.0081%); highest among the groups gnomAD compares: East Asian, 0.27%; no homozygotes.

Submissions (6):

ClinGen Limb Girdle Muscular Dystrophy Variant Curation Expert Panel, ClinGen
Classification: Likely pathogenic for Autosomal recessive limb-girdle muscular dystrophy. Last evaluated: 2026-04-28. Review status: reviewed by expert panel. Criteria: ClinGen LGMD VCEP ACMG Specifications SGCA V2.0.0. Collection method: curation. Allele origin: germline. Inheritance: Autosomal recessive inheritance.
Comment: The NM_000023.4: c.320C>T variant in SGCA is a missense variant predicted to cause substitution of alanine by valine at amino acid 170, p.(Ala107Val). This variant has been reported confirmed in trans with another SGCA variant in 8 unrelated East Asian patients with reduced sarcoglycan protein expression in skeletal muscle and clinical features consistent with LGMD or sarcoglycanopathy, although it was typically associated with a mild presentation, with some patients presenting with hyperCKemia only (PMID: 39755676, 30764848, 28403181). Five patients had a likely pathogenic or pathogenic variant confirmed in trans (c.229C>T p.(Arg77Cys), 1.0 pt x3, PMID: 39755676; c.662G>C p.(Arg221Pro), 1.0 pt, PMID: 39755676; c.661C>T p.(Arg221Cys), 1.0 pt, PMID: 30764848, 28403181) (PM3_Very Strong). All of the reported compound heterozygous Japanese patients had significantly reduced expression of sarcoglycan in skeletal muscle by immunohistochemistry, and some were also reported to have limb girdle muscle weakness. However, progression in individual patients was not clearly described (PMID: 39755676; PP4 not met). The Grpmax FAF (the lower bound of the 95% confidence interval of the maximum credible genetic ancestry group allele frequency) is 0.0023 in gnomAD v4.1.1 (123/44882 East Asian chromosomes), which is higher than the ClinGen Limb Girdle Muscular Dystrophy Expert Panel threshold (0.002) for BA1. However, this variant is one of the most common SGCA variants identified in Japanese patients, where it has been associated with a mild phenotype (PMID: 39755676), and the VCEP opted not to apply this code (BA1 exception). The computational predictor REVEL gives a score of 0.864, which is above the threshold of 0.70, evidence that correlates with impact to SGCA function (PP3). In summary, this variant meets the criteria to be classified as Likely pathogenic for autosomal recessive limb girdle muscular dystrophy based on the ACMG/AMP criteria applied, as specified by the ClinGen LGMD VCEP (LGMD VCEP specifications version 2.0.0; 04/28/2026): PM3_Very Strong, PP3.

Labcorp Genetics (formerly Invitae), Labcorp
Classification: Likely benign for Autosomal recessive limb-girdle muscular dystrophy type 2D. Last evaluated: 2026-02-04. Review status: criteria provided, single submitter. Criteria: Invitae Variant Classification Sherloc (09022015). Collection method: clinical testing. Allele origin: germline. Not counted in ClinVar's aggregate classification.

Blueprint Genetics
Classification: Uncertain significance. Last evaluated: 2024-10-07. Review status: criteria provided, single submitter. Criteria: ACMG Guidelines, 2015. Collection method: clinical testing. Allele origin: germline. Not counted in ClinVar's aggregate classification.

Revvity Omics, Revvity
Classification: Uncertain significance for Autosomal recessive limb-girdle muscular dystrophy type 2D. Last evaluated: 2023-02-24. Review status: criteria provided, single submitter. Criteria: ACMG Guidelines, 2015. Collection method: clinical testing. Allele origin: germline. Not counted in ClinVar's aggregate classification.

Eurofins Ntd Llc (ga)
Classification: Uncertain significance. Last evaluated: 2014-11-23. Review status: criteria provided, single submitter. Criteria: EGL Classification Definitions 2015. Collection method: clinical testing. Allele origin: germline. Observed: 1 variant allele, 1 heterozygote. Not counted in ClinVar's aggregate classification.

Natera, Inc.
Classification: Likely benign for Limb-girdle muscular dystrophy type 2D. Last evaluated: 2020-06-06. Review status: no assertion criteria provided. Collection method: clinical testing. Allele origin: germline. Not counted in ClinVar's aggregate classification.